The following is an entry in ClinVar:

NM_000165.5(GJA1):c.563A>G (p.Lys188Arg)

Gene: GJA1 (gap junction protein alpha 1; plus strand). Cytogenetic location: 6q22.31.
Variant type: single nucleotide variant.
Coding change: c.563A>G on transcript NM_000165.5 (MANE Select); coding-DNA position 563, A replaced by G.
Protein change: p.Lys188Arg; replaces lysine 188 with arginine.
Molecular consequence: missense variant.
Genome position (GRCh38, 1-based): chr6:121,447,410, A>G. VCF-style: chr6-121447410-A-G. GRCh37 (hg19) VCF-style: chr6-121768556-A-G.
Other names: short protein forms K188R.
Identifiers: ClinVar variation 3368731 (VCV003368731.2).

ClinVar aggregate classification (germline): Uncertain significance. Review status: criteria provided, multiple submitters, no conflicts (2 of 4 stars). 2 submissions from 2 submitters: Uncertain significance (2). Last evaluated 2025-05-15.

Conditions:
Oculodentodigital dysplasia, autosomal recessive. Also called: OCULODENTOOSSEOUS DYSPLASIA, AUTOSOMAL RECESSIVE; ODDD, AUTOSOMAL RECESSIVE; ODOD, AUTOSOMAL RECESSIVE. Identifiers: Orphanet 2710, MedGen C2749477, MONDO:0009768, OMIM 257850.

Submissions (2):

Labcorp Genetics (formerly Invitae), Labcorp
Classification: Uncertain significance for Oculodentodigital dysplasia, autosomal recessive. Last evaluated: 2025-05-15. Review status: criteria provided, single submitter. Criteria: Invitae Variant Classification Sherloc (09022015). Collection method: clinical testing. Allele origin: germline.
Comment: This sequence change replaces lysine, which is basic and polar, with arginine, which is basic and polar, at codon 188 of the GJA1 protein (p.Lys188Arg). This variant is not present in population databases (gnomAD no frequency). This variant has not been reported in the literature in individuals affected with GJA1-related conditions. ClinVar contains an entry for this variant (Variation ID: 3368731). Invitae Evidence Modeling of protein sequence and biophysical properties (such as structural, functional, and spatial information, amino acid conservation, physicochemical variation, residue mobility, and thermodynamic stability) has been performed for this missense variant. However, the output from this modeling did not meet the statistical confidence thresholds required to predict the impact of this variant on GJA1 protein function. In summary, the available evidence is currently insufficient to determine the role of this variant in disease. Therefore, it has been classified as a Variant of Uncertain Significance.

GeneDx
Classification: Uncertain significance. Last evaluated: 2024-02-05. Review status: criteria provided, single submitter. Criteria: GeneDx Variant Classification Process June 2021. Collection method: clinical testing. Allele origin: germline. Affected: yes.
Comment: In silico analysis supports that this missense variant does not alter protein structure/function; Has not been previously published as pathogenic or benign to our knowledge